The following is an entry in ClinVar:

NM_001267550.2(TTN):c.70491C>T (p.Thr23497=)

Genes: TTN (titin; minus strand), TTN-AS1 (TTN antisense RNA 1; plus strand), LOC126806422 (BRD4-independent group 4 enhancer GRCh37_chr2:179440205-179441404; plus strand). Cytogenetic location: 2q31.2.
Variant type: single nucleotide variant.
Coding change: c.70491C>T on transcript NM_001267550.2 (MANE Select); coding-DNA position 70491, C replaced by T.
Protein change: p.Thr23497=; no amino-acid change (threonine 23497 retained).
Molecular consequence: synonymous variant.
Genome position (GRCh38, 1-based): chr2:178,575,641, G>A on the plus strand (C>T on the coding strand, the complement: TTN is on the minus strand). VCF-style: chr2-178575641-G-A. GRCh37 (hg19) VCF-style: chr2-179440368-G-A.
Other names: c.65568C>T, p.Thr21856= (NM_001256850.1); c.43296C>T, p.Thr14432= (NM_003319.4); c.62787C>T, p.Thr20929= (NM_133378.4); c.43671C>T, p.Thr14557= (NM_133432.3); c.43872C>T, p.Thr14624= (NM_133437.4).
Identifiers: ClinVar variation 96299 (VCV000096299.58), dbSNP rs372382315, ClinGen allele CA211199.

ClinVar aggregate classification (germline): Conflicting classifications of pathogenicity. Review status: criteria provided, conflicting classifications (1 of 4 stars). 15 submissions from 11 submitters: Uncertain significance (4); Benign (4); Likely benign (7). Last evaluated 2026-06-01.

Conditions:
TTN-related disorder. Also called: TTN-related disorders; TTN-related condition; TTN-related disease.
Cardiovascular phenotype. Identifiers: MedGen CN230736.
Dilated cardiomyopathy 1G (CMD1G). Identifiers: Orphanet 154, MedGen C1858763, MONDO:0011400, OMIM 604145.
Autosomal recessive limb-girdle muscular dystrophy type 2J (LGMDR10). Also called: Limb-girdle muscular dystrophy, type 2J; MUSCULAR DYSTROPHY, LIMB-GIRDLE, AUTOSOMAL RECESSIVE 10. Identifiers: Orphanet 140922, MedGen C1837342, MONDO:0012127, OMIM 608807.
Myopathy, myofibrillar, 9, with early respiratory failure (MFM9). Also called: Hereditary myopathy with early respiratory failure; MYOPATHY, PROXIMAL, WITH EARLY RESPIRATORY MUSCLE INVOLVEMENT; Myopathy, distal, with early respiratory failure, autosomal dominant; EDSTROM MYOPATHY. Identifiers: Orphanet 178464, Orphanet 34521, MedGen C1863599, MONDO:0011362, OMIM 603689.
Early-onset myopathy with fatal cardiomyopathy (CMYO5). Also called: Salih Myopathy; CONGENITAL MYOPATHY 5 WITH CARDIOMYOPATHY. Identifiers: Orphanet 289377, MedGen C2673677, MONDO:0012714, OMIM 611705. Disease mechanism: loss of function.
Tibial muscular dystrophy (TMD). Also called: UDD MYOPATHY; Tibial muscular dystrophy, tardive; Udd Distal Myopathy – Tibial Muscular Dystrophy. Identifiers: Orphanet 609, MedGen C1838244, MONDO:0010870, OMIM 600334.

Allele frequency attached by ClinVar (database versions not stated): ESP Exome Variant Server 0.00025; 1000 Genomes Project 30x 0.00031; 1000 Genomes Project 0.00020; gnomAD exomes 0.00036 and 0.00023; TOPMed 0.00041; gnomAD 0.00031 and 0.00032; ExAC 0.00027.
gnomAD v4.1: 403 of 1,613,516 alleles (0.025%); highest among the groups gnomAD compares: Middle Eastern, 0.033%; 1 homozygote.

Submissions (15):

CeGaT Center for Human Genetics Tuebingen
Classification: Likely benign. Last evaluated: 2026-06-01. Review status: criteria provided, single submitter. Criteria: CeGaT Center For Human Genetics Tuebingen Variant Classification Criteria Version 2. Collection method: clinical testing. Allele origin: germline. Affected: yes. Observed: 20 variant alleles.
Comment: TTN: BP4, BP7

Labcorp Genetics (formerly Invitae), Labcorp
Classification: Likely benign for Dilated cardiomyopathy 1G; Autosomal recessive limb-girdle muscular dystrophy type 2J. Last evaluated: 2026-01-28. Review status: criteria provided, single submitter. Criteria: Invitae Variant Classification Sherloc (09022015). Collection method: clinical testing. Allele origin: germline.

Molecular Diagnostic Laboratory for Inherited Cardiovascular Disease, Montreal Heart Institute
Classification: Benign. Last evaluated: 2025-04-09. Review status: criteria provided, single submitter. Criteria: ACMG Guidelines, 2015. Collection method: clinical testing. Allele origin: germline. Affected: no.

PreventionGenetics, part of Exact Sciences
Classification: Likely benign for TTN-related condition. Last evaluated: 2025-03-25. Review status: criteria provided, single submitter. Criteria: ACMG Guidelines, 2015. Collection method: clinical testing. Allele origin: germline.
Comment: This variant is classified as likely benign based on ACMG/AMP sequence variant interpretation guidelines (Richards et al. 2015 PMID: 25741868, with internal and published modifications).

Blueprint Genetics
Classification: Likely benign. Last evaluated: 2024-11-07. Review status: criteria provided, single submitter. Criteria: ACMG Guidelines, 2015. Collection method: clinical testing. Allele origin: germline.

Women's Health and Genetics/Laboratory Corporation of America, LabCorp
Classification: Likely benign. Last evaluated: 2023-09-16. Review status: criteria provided, single submitter. Criteria: LabCorp Variant Classification Summary - May 2015. Collection method: clinical testing. Allele origin: germline.

Ambry Genetics
Classification: Likely benign for Cardiovascular phenotype. Last evaluated: 2019-06-07. Review status: criteria provided, single submitter. Criteria: Ambry Variant Classification Scheme 2023. Collection method: clinical testing. Allele origin: germline.

Illumina Laboratory Services, Illumina
Classification: Uncertain significance for Dilated cardiomyopathy 1G. Last evaluated: 2018-01-12. Review status: criteria provided, single submitter. Criteria: ICSL Variant Classification Criteria 13 December 2019. Collection method: clinical testing. Allele origin: germline.

Illumina Laboratory Services, Illumina
Classification: Uncertain significance for Early-onset myopathy with fatal cardiomyopathy. Last evaluated: 2018-01-12. Review status: criteria provided, single submitter. Criteria: ICSL Variant Classification Criteria 13 December 2019. Collection method: clinical testing. Allele origin: germline.

Illumina Laboratory Services, Illumina
Classification: Benign for Tibial muscular dystrophy. Last evaluated: 2018-01-12. Review status: criteria provided, single submitter. Criteria: ICSL Variant Classification Criteria 13 December 2019. Collection method: clinical testing. Allele origin: germline.
Comment: This variant was observed in the ICSL laboratory as part of a predisposition screen in an ostensibly healthy population. It had not been previously curated by ICSL or reported in the Human Gene Mutation Database (HGMD: prior to June 1st, 2018), and was therefore a candidate for classification through an automated scoring system. Utilizing variant allele frequency, disease prevalence and penetrance estimates, and inheritance mode, an automated score was calculated to assess if this variant is too frequent to cause the disease. Based on the score and internal cut-off values, a variant classified as benign is not then subjected to further curation. The score for this variant resulted in a classification of benign for this disease.

Illumina Laboratory Services, Illumina
Classification: Benign for Myopathy, myofibrillar, 9, with early respiratory failure. Last evaluated: 2018-01-12. Review status: criteria provided, single submitter. Criteria: ICSL Variant Classification Criteria 13 December 2019. Collection method: clinical testing. Allele origin: germline.
Comment: the same text as in the submission from Illumina Laboratory Services, Illumina above.

Illumina Laboratory Services, Illumina
Classification: Uncertain significance for Autosomal recessive limb-girdle muscular dystrophy type 2J. Last evaluated: 2018-01-12. Review status: criteria provided, single submitter. Criteria: ICSL Variant Classification Criteria 13 December 2019. Collection method: clinical testing. Allele origin: germline.

Laboratory for Molecular Medicine, Mass General Brigham Personalized Medicine
Classification: Likely benign. Last evaluated: 2017-01-30. Review status: criteria provided, single submitter. Criteria: LMM Criteria. Collection method: clinical testing. Allele origin: germline. Observed: 3 variant alleles.
Comment: p.Thr20929Thr in exon 275 of TTN: This variant is not expected to have clinical significance because it does not alter an amino acid residue and is not located within the splice consensus sequence. It has been identified in 30/66696 Europea n chromosomes by the Exome Aggregation Consortium (ExAC; dbSNP rs372382315).

Eurofins Ntd Llc (ga)
Classification: Uncertain significance. Last evaluated: 2014-12-24. Review status: criteria provided, single submitter. Criteria: EGL Classification Definitions 2015. Collection method: clinical testing. Allele origin: germline. Observed: 4 variant alleles, 4 heterozygotes.

GeneDx
Classification: Benign. Last evaluated: 2014-05-09. Review status: criteria provided, single submitter. Criteria: GeneDx Variant Classification (06012015). Collection method: clinical testing. Allele origin: germline. Affected: yes.
Comment: This variant is considered likely benign or benign based on one or more of the following criteria: it is a conservative change, it occurs at a poorly conserved position in the protein, it is predicted to be benign by multiple in silico algorithms, and/or has population frequency not consistent with disease.